The following is an entry in ClinVar:

NM_152309.3(PIK3AP1):c.887C>T (p.Thr296Ile)

Gene: PIK3AP1 (phosphoinositide-3-kinase adaptor protein 1; minus strand). Cytogenetic location: 10q24.1.
Variant type: single nucleotide variant.
Coding change: c.887C>T on transcript NM_152309.3 (MANE Select); coding-DNA position 887, C replaced by T.
Protein change: p.Thr296Ile; replaces threonine 296 with isoleucine.
Molecular consequence: missense variant.
Genome position (GRCh38, 1-based): chr10:96,651,349, G>A on the plus strand (C>T on the coding strand, the complement: PIK3AP1 is on the minus strand). VCF-style: chr10-96651349-G-A. GRCh37 (hg19) VCF-style: chr10-98411106-G-A.
Other names: short protein forms T296I.
Identifiers: ClinVar variation 646076 (VCV000646076.9), dbSNP rs1589515449, ClinGen allele CA377746590.

ClinVar aggregate classification (germline): Uncertain significance. Review status: criteria provided, multiple submitters, no conflicts (2 of 4 stars). 2 submissions from 2 submitters: Uncertain significance (2). Last evaluated 2022-06-24.

Conditions:
Infantile spasms. Also called: Infantile spasm. Identifiers: MedGen C3887898, HP:0012469.

Allele frequency attached by ClinVar (database versions not stated): TOPMed below 0.00001.
gnomAD v4.1: 1 of 1,614,160 alleles (0.000062%); no homozygotes.

Submissions (2):

Ambry Genetics
Classification: Uncertain significance. Last evaluated: 2022-06-24. Review status: criteria provided, single submitter. Criteria: Ambry Variant Classification Scheme 2023. Collection method: clinical testing. Allele origin: germline.

Labcorp Genetics (formerly Invitae), Labcorp
Classification: Uncertain significance for Infantile spasms. Last evaluated: 2018-10-04. Review status: criteria provided, single submitter. Criteria: Invitae Variant Classification Sherloc (09022015). Collection method: clinical testing. Allele origin: germline.
Comment: This sequence change replaces threonine with isoleucine at codon 296 of the PIK3AP1 protein (p.Thr296Ile). The threonine residue is moderately conserved and there is a moderate physicochemical difference between threonine and isoleucine. This variant is not present in population databases (ExAC no frequency). This variant has not been reported in the literature in individuals with PIK3AP1-related disease. Algorithms developed to predict the effect of missense changes on protein structure and function are either unavailable or do not agree on the potential impact of this missense change (SIFT: "Tolerated"; PolyPhen-2: "Possibly Damaging"; Align-GVGD: "Class C0"). In summary, the available evidence is currently insufficient to determine the role of this variant in disease. Therefore, it has been classified as a Variant of Uncertain Significance.